The following is an entry in ClinVar:

ClinVar aggregate classification (germline): Uncertain significance. Review status: criteria provided, multiple submitters, no conflicts (2 of 4 stars). 2 submissions from 2 submitters: Uncertain significance (2). Last evaluated 2024-04-20.

Submissions (2):

Labcorp Genetics (formerly Invitae), Labcorp
Classification: Uncertain significance. Last evaluated: 2024-04-20. Review status: criteria provided, single submitter. Criteria: Invitae Variant Classification Sherloc (09022015). Collection method: clinical testing. Allele origin: germline.
Comment: This sequence change replaces leucine, which is neutral and non-polar, with valine, which is neutral and non-polar, at codon 58 of the KCNQ5 protein (p.Leu58Val). This variant is not present in population databases (gnomAD no frequency). This variant has not been reported in the literature in individuals affected with KCNQ5-related conditions. ClinVar contains an entry for this variant (Variation ID: 1676417). Advanced modeling of protein sequence and biophysical properties (such as structural, functional, and spatial information, amino acid conservation, physicochemical variation, residue mobility, and thermodynamic stability) performed at Invitae indicates that this missense variant is not expected to disrupt KCNQ5 protein function with a negative predictive value of 95%. In summary, the available evidence is currently insufficient to determine the role of this variant in disease. Therefore, it has been classified as a Variant of Uncertain Significance.

GeneDx
Classification: Uncertain significance. Last evaluated: 2021-10-07. Review status: criteria provided, single submitter. Criteria: GeneDx Variant Classification Process June 2021. Collection method: clinical testing. Allele origin: germline. Affected: yes.
Comment: Not observed at significant frequency in large population cohorts (gnomAD); In silico analysis supports that this missense variant does not alter protein structure/function; Has not been previously published as pathogenic or benign to our knowledge

NM_019842.4(KCNQ5):c.172C>G (p.Leu58Val)

Genes: KCNQ5 (potassium voltage-gated channel subfamily Q member 5; plus strand), KCNQ5-DT (KCNQ5 divergent transcript; minus strand). Cytogenetic location: 6q13.
Variant type: single nucleotide variant.
Coding change: c.172C>G on transcript NM_019842.4 (MANE Select); coding-DNA position 172, C replaced by G.
Protein change: p.Leu58Val; replaces leucine 58 with valine.
Molecular consequence: missense variant.
Genome position (GRCh38, 1-based): chr6:72,622,361, C>G. VCF-style: chr6-72622361-C-G. GRCh37 (hg19) VCF-style: chr6-73332089-C-G.
Other names: c.172C>G, p.Leu58Val (NM_001160130.2, NM_001160132.2, NM_001160133.2 and 1 more transcripts); short protein forms L58V.
Identifiers: ClinVar variation 1676417 (VCV001676417.4), dbSNP rs2154471220, ClinGen allele CA364824298.